The following is an entry in ClinVar:

NM_001190274.2(FBXO11):c.2666A>T (p.Asp889Val)

Genes: FBXO11 (F-box protein 11; minus strand), MSH6 (mutS homolog 6; plus strand). Cytogenetic location: 2p16.3.
Variant type: single nucleotide variant.
Coding change: c.2666A>T on transcript NM_001190274.2 (MANE Select); coding-DNA position 2666, A replaced by T.
Protein change: p.Asp889Val; replaces aspartic acid 889 with valine.
Molecular consequence: missense variant.
Genome position (GRCh38, 1-based): chr2:47,808,236, T>A on the plus strand (A>T on the coding strand, the complement: FBXO11 is on the minus strand). VCF-style: chr2-47808236-T-A. GRCh37 (hg19) VCF-style: chr2-48035375-T-A.
Other names: c.2414A>T, p.Asp805Val (NM_001374325.1, NM_025133.4); short protein forms D805V, D889V.
Identifiers: ClinVar variation 1803736 (VCV001803736.1), dbSNP rs2530937941, ClinGen allele CA346762049.
Genomic context (GRCh38, chr2:47,808,236, plus strand): 5'-GTATCATGTGTAGGCTCACCAGCTAATGTACAAGGATTAGACAGTGTTCCAGCACCACAG[T>A]CACAGAAAAACCTAAAGCAAAATGAAACCCAAATATTAGAAAAGTGAGGGGGAAAGTAAT-3'
Protein context (NP_001177203.1, residues 879-899): EFIRHDRFFC[Asp889Val]CGAGTLSNPC

ClinVar aggregate classification (germline): Likely pathogenic (1 of 4 stars; one submission).

Conditions:
Intellectual developmental disorder with dysmorphic facies and behavioral abnormalities. Identifiers: MedGen C4748135, MONDO:0060760, OMIM 618089.

Submission:

HudsonAlpha Institute for Biotechnology
Classification: Likely pathogenic for Intellectual developmental disorder with dysmorphic facies and behavioral abnormalities. Last evaluated: 2022-05-24. Review status: criteria provided, single submitter. Criteria: ACMG Guidelines, 2015. Collection method: research. Allele origin: de novo. Affected: yes. Observed: 1 variant allele. Study: HudsonAlpha-AGHI-WGS.
Comment: ACMG codes:PS2, PM2, PP3